The following is an entry in ClinVar:

NM_022455.5(NSD1):c.3311A>G (p.His1104Arg)

Gene: NSD1 (nuclear receptor binding SET domain protein 1; plus strand). Cytogenetic location: 5q35.3.
Variant type: single nucleotide variant.
Coding change: c.3311A>G on transcript NM_022455.5 (MANE Select); coding-DNA position 3311, A replaced by G.
Protein change: p.His1104Arg; replaces histidine 1104 with arginine.
Molecular consequence: missense variant.
Genome position (GRCh38, 1-based): chr5:177,211,710, A>G. VCF-style: chr5-177211710-A-G. GRCh37 (hg19) VCF-style: chr5-176638711-A-G.
Other names: c.2438A>G, p.His813Arg (NM_001365684.2, NM_001409306.1, NM_001409307.1 and 3 more transcripts); c.3311A>G, p.His1104Arg (NM_001409301.1, NM_001409302.1, NM_001409303.1); c.2891A>G, p.His964Arg (NM_001409304.1); c.2558A>G, p.His853Arg (NM_001409305.1); short protein forms H1104R, H835R, H853R, H964R, H813R.
Identifiers: ClinVar variation 1696563 (VCV001696563.6), dbSNP rs758125212, ClinGen allele CA3577414.
Genomic context (GRCh38, chr5:177,211,710, plus strand): 5'-ATCCTAGTAAAGAGGATCCCCTTCAGATAATGGGCCACTTAACAAGTGAAGATGGTGACC[A>G]TTTTTCTGATGTGCATTTCGATAGCAAGGTTAAGCAATCTGATCCTGGTAAAATTTCTGA-3'
Protein context (NP_071900.2, residues 1094-1114): MGHLTSEDGD[His1104Arg]FSDVHFDSKV

ClinVar aggregate classification (germline): Conflicting classifications of pathogenicity. Review status: criteria provided, conflicting classifications (1 of 4 stars). 4 submissions from 4 submitters: Uncertain significance (3); Benign (1). Last evaluated 2024-06-14.

Conditions:
Sotos syndrome (SOTOS). Also called: Sotos' syndrome; Distinctive facial appearance, overgrowth in childhood, and learning disabilities or delayed development; CHROMOSOME 5q35 DELETION SYNDROME; CEREBRAL GIGANTISM; SOTOS SYNDROME 1. Identifiers: Orphanet 821, MedGen C0175695, MONDO:0019349, OMIM 117550.

Allele frequency attached by ClinVar (database versions not stated): ExAC 0.00004; gnomAD exomes 0.00004.
gnomAD v4.1: 16 of 1,613,852 alleles (0.00099%); highest among the groups gnomAD compares: East Asian, 0.011%; 1 homozygote.

Submissions (4):

Fulgent Genetics
Classification: Uncertain significance for Sotos syndrome. Last evaluated: 2024-06-14. Review status: criteria provided, single submitter. Criteria: ACMG Guidelines, 2015. Collection method: clinical testing. Allele origin: germline.

Labcorp Genetics (formerly Invitae), Labcorp
Classification: Benign. Last evaluated: 2024-02-19. Review status: criteria provided, single submitter. Criteria: Invitae Variant Classification Sherloc (09022015). Collection method: clinical testing. Allele origin: germline.

Women's Health and Genetics/Laboratory Corporation of America, LabCorp
Classification: Uncertain significance. Last evaluated: 2023-07-26. Review status: criteria provided, single submitter. Criteria: LabCorp Variant Classification Summary - May 2015. Collection method: clinical testing. Allele origin: germline.
Comment: Variant summary: NSD1 c.3311A>G (p.His1104Arg) results in a non-conservative amino acid change in the encoded protein sequence. Four of five in-silico tools predict a benign effect of the variant on protein function. The variant allele was found at a frequency of 4.4e-05 in 250996 control chromosomes (gnomAD). To our knowledge, no occurrence of c.3311A>G in individuals affected with Sotos Syndrome and no experimental evidence demonstrating its impact on protein function have been reported. One submitter has cited clinical-significance assessments for this variant to ClinVar after 2014 and has classified the variant as uncertain significance. Based on the evidence outlined above, the variant was classified as uncertain significance.

New York Genome Center
Classification: Uncertain significance for Sotos syndrome. Last evaluated: 2021-09-02. Review status: criteria provided, single submitter. Criteria: NYGC Assertion Criteria 2020. Collection method: clinical testing. Allele origin: inherited. Observed: 1 variant allele, 1 heterozygote. Study: CSER-NYCKidSeq.